The following is an entry in ClinVar:

NM_000218.3(KCNQ1):c.1794+6C>T

Gene: KCNQ1 (potassium voltage-gated channel subfamily Q member 1; plus strand). Cytogenetic location: 11p15.5.
Variant type: single nucleotide variant.
Coding change: c.1794+6C>T on transcript NM_000218.3 (MANE Select); 6 bases into the intron after coding-DNA position 1794, C replaced by T.
Molecular consequence: intron variant.
Genome position (GRCh38, 1-based): chr11:2,778,043, C>T. VCF-style: chr11-2778043-C-T. GRCh37 (hg19) VCF-style: chr11-2799273-C-T.
Other names: c.1524+6C>T (NM_001406837.1); c.1698+6C>T (NM_001406836.1); c.1254+6C>T (NM_001406838.1); c.1413+6C>T (NM_181798.2); c.306+6C>T (NM_001406839.1).
Identifiers: ClinVar variation 1332309 (VCV001332309.10), dbSNP rs1481251308, ClinGen allele CA675198411.

ClinVar aggregate classification (germline): Uncertain significance. Review status: criteria provided, multiple submitters, no conflicts (2 of 4 stars). 2 submissions from 2 submitters: Uncertain significance (2). Last evaluated 2021-07-14.

Conditions:
Long QT syndrome (LQTS). Identifiers: MedGen C0023976, MeSH D008133, MONDO:0002442. Disease mechanism: loss of function. Inheritance: Various modes of inheritance.
Cardiac arrhythmia. Also called: Arrhythmia; Cardiac rhythm disease. Identifiers: MedGen C0003811, MONDO:0007263, HP:0011675.

Allele frequency attached by ClinVar (database versions not stated): gnomAD exomes below 0.00001; TOPMed below 0.00001; gnomAD 0.00001.
gnomAD v4.1: 3 of 1,613,244 alleles (0.00019%); highest among the groups gnomAD compares: Non-Finnish European, 0.00025%; no homozygotes.

Submissions (2):

Color Diagnostics, LLC DBA Color Health
Classification: Uncertain significance for Cardiac arrhythmia. Last evaluated: 2021-07-14. Review status: criteria provided, single submitter. Criteria: ACMG Guidelines, 2015. Collection method: clinical testing. Allele origin: germline.
Comment: This variant causes a C to T nucleotide substitution at the +6 position of intron 15 of the KCNQ1 gene. Splice prediction tools and conservation analysis are inconclusive regarding the impact of this variant on RNA splicing. To our knowledge, functional studies have not been reported for this variant. This variant has not been reported in individuals affected with cardiovascular disorders in the literature. This variant has not been identified in the general population by the Genome Aggregation Database (gnomAD). The available evidence is insufficient to determine the role of this variant in disease conclusively. Therefore, this variant is classified as a Variant of Uncertain Significance.

Labcorp Genetics (formerly Invitae), Labcorp
Classification: Uncertain significance for Long QT syndrome. Last evaluated: 2021-05-17. Review status: criteria provided, single submitter. Criteria: Invitae Variant Classification Sherloc (09022015). Collection method: clinical testing. Allele origin: germline.
Comment: In summary, the available evidence is currently insufficient to determine the role of this variant in disease. Therefore, it has been classified as a Variant of Uncertain Significance. Nucleotide substitutions within the consensus splice site are a relatively common cause of aberrant splicing (PMID: 17576681, 9536098). Algorithms developed to predict the effect of sequence changes on RNA splicing suggest that this variant is not likely to affect RNA splicing, but this prediction has not been confirmed by published transcriptional studies. This variant has not been reported in the literature in individuals with KCNQ1-related conditions. This variant is not present in population databases (ExAC no frequency). This sequence change falls in intron 15 of the KCNQ1 gene. It does not directly change the encoded amino acid sequence of the KCNQ1 protein. It affects a nucleotide within the consensus splice site of the intron.

Literature cited by the submitters: PubMed 17576681 (cited by Labcorp Genetics (formerly Invitae), Labcorp); PubMed 9536098 (cited by Labcorp Genetics (formerly Invitae), Labcorp).